The following is an entry in ClinVar:

ClinVar aggregate classification (germline): Likely benign. Review status: criteria provided, multiple submitters, no conflicts (2 of 4 stars). 2 submissions from 2 submitters: Likely benign (2). Last evaluated 2025-04-02.

Allele frequency attached by ClinVar (database versions not stated): ExAC 0.00004; gnomAD 0.00007 and 0.00008; gnomAD exomes 0.00007; TOPMed 0.00007; ESP Exome Variant Server 0.00008.
gnomAD v4.1: 147 of 1,614,034 alleles (0.0091%); highest among the groups gnomAD compares: Non-Finnish European, 0.011%; no homozygotes.

Submissions (2):

Labcorp Genetics (formerly Invitae), Labcorp
Classification: Likely benign. Last evaluated: 2025-04-02. Review status: criteria provided, single submitter. Criteria: Invitae Variant Classification Sherloc (09022015). Collection method: clinical testing. Allele origin: germline.

CeGaT Center for Human Genetics Tuebingen
Classification: Likely benign. Last evaluated: 2024-11-01. Review status: criteria provided, single submitter. Criteria: CeGaT Center For Human Genetics Tuebingen Variant Classification Criteria Version 2. Collection method: clinical testing. Allele origin: germline. Affected: yes. Observed: 1 variant allele.
Comment: DSTYK: BP4, BP7

NM_015375.3(DSTYK):c.528G>A (p.Thr176=)

Gene: DSTYK (dual serine/threonine and tyrosine protein kinase; minus strand). Cytogenetic location: 1q32.1.
Variant type: single nucleotide variant.
Coding change: c.528G>A on transcript NM_015375.3 (MANE Select); coding-DNA position 528, G replaced by A.
Protein change: p.Thr176=; no amino-acid change (threonine 176 retained).
Molecular consequence: synonymous variant.
Genome position (GRCh38, 1-based): chr1:205,187,544, C>T on the plus strand (G>A on the coding strand, the complement: DSTYK is on the minus strand). VCF-style: chr1-205187544-C-T. GRCh37 (hg19) VCF-style: chr1-205156672-C-T.
Other names: c.528G>A, p.Thr176= (NM_199462.3).
Identifiers: ClinVar variation 1636428 (VCV001636428.22), dbSNP rs374945965, ClinGen allele CA1353021.